The following is an entry in ClinVar:

ClinVar aggregate classification (germline): Pathogenic. Review status: criteria provided, multiple submitters, no conflicts (2 of 4 stars). 2 submissions from 2 submitters: Pathogenic (2). Last evaluated 2025-12-02.

Conditions:
Multiple sulfatase deficiency (MSD). Also called: Mucosulfatidosis; Multiple Sulfatase Deficiency Disease; Sulfatidosis, Juvenile, Austin Type. Identifiers: Orphanet 585, MedGen C0268263, MONDO:0010088, OMIM 272200.

Submissions (2):

Women's Health and Genetics/Laboratory Corporation of America, LabCorp
Classification: Pathogenic for Multiple sulfatase deficiency. Last evaluated: 2025-12-02. Review status: criteria provided, single submitter. Criteria: LabCorp Variant Classification Summary - May 2015. Collection method: clinical testing. Allele origin: germline.
Comment: Variant summary: SUMF1 c.156C>A (p.Cys52X) results in a premature termination codon, predicted to cause a truncation of the encoded protein or absence of the protein due to nonsense mediated decay, which are commonly known mechanisms for disease. The variant was absent in 165746 control chromosomes. To our knowledge, no occurrence of c.156C>A in individuals affected with SUMF1-related conditions and no experimental evidence demonstrating its impact on protein function have been reported. ClinVar contains an entry for this variant (Variation ID: 1354739). Based on the evidence outlined above, the variant was classified as pathogenic.

Labcorp Genetics (formerly Invitae), Labcorp
Classification: Pathogenic for Multiple sulfatase deficiency. Last evaluated: 2022-06-23. Review status: criteria provided, single submitter. Criteria: Invitae Variant Classification Sherloc (09022015). Collection method: clinical testing. Allele origin: germline.
Comment: For these reasons, this variant has been classified as Pathogenic. This variant has not been reported in the literature in individuals affected with SUMF1-related conditions. This variant is not present in population databases (gnomAD no frequency). This sequence change creates a premature translational stop signal (p.Cys52*) in the SUMF1 gene. It is expected to result in an absent or disrupted protein product. Loss-of-function variants in SUMF1 are known to be pathogenic (PMID: 12757705, 12757706, 25885655).

Literature cited by the submitters: PubMed 12757705 (cited by Labcorp Genetics (formerly Invitae), Labcorp); PubMed 12757706 (cited by Labcorp Genetics (formerly Invitae), Labcorp); PubMed 25885655 (cited by Labcorp Genetics (formerly Invitae), Labcorp).

NM_182760.4(SUMF1):c.156C>A (p.Cys52Ter)

Genes: SUMF1 (sulfatase modifying factor 1; minus strand), LOC129936056 (ATAC-STARR-seq lymphoblastoid silent region 14016; plus strand). Cytogenetic location: 3p26.1.
Variant type: single nucleotide variant.
Coding change: c.156C>A on transcript NM_182760.4 (MANE Select); coding-DNA position 156, C replaced by A.
Protein change: p.Cys52Ter; replaces cysteine 52 with a stop codon.
Molecular consequence: nonsense.
Genome position (GRCh38, 1-based): chr3:4,467,090, G>T on the plus strand (C>A on the coding strand, the complement: SUMF1 is on the minus strand). VCF-style: chr3-4467090-G-T. GRCh37 (hg19) VCF-style: chr3-4508774-G-T.
Other names: c.156C>A, p.Cys52Ter (NM_001164674.2, NM_001164675.2); short protein forms C52*.
Identifiers: ClinVar variation 1354739 (VCV001354739.7), dbSNP rs2124823466, ClinGen allele CA351794297.